The following is an entry in ClinVar:

ClinVar aggregate classification (germline): Conflicting classifications of pathogenicity. Review status: criteria provided, conflicting classifications (1 of 4 stars). 2 submissions from 2 submitters: Uncertain significance (1); Likely benign (1). Last evaluated 2026-02-23.

Conditions:
Transcobalamin II deficiency (TCN2D). Also called: TC II DEFICIENCY; TCN2 DEFICIENCY; Transcolabamin II deficiency. Identifiers: Orphanet 859, MedGen C0342701, MONDO:0010149, OMIM 275350.

Allele frequency attached by ClinVar (database versions not stated): ExAC 0.00009.

Submissions (2):

Centre for Medical Genetics,  Mumbai
Classification: Likely benign for Transcobalamin II deficiency. Last evaluated: 2026-02-23. Review status: criteria provided, single submitter. Criteria: ACMG Guidelines, 2015. Collection method: provider interpretation. Allele origin: germline. Inheritance: Autosomal recessive inheritance. Affected: no. Observed: 1 homozygote.
Comment: The variant satisfies BP1 criteria; Missense variant in a gene for which loss of function is the known mechanism of disease. However, the variant satisfies BS2 criteria.

Labcorp Genetics (formerly Invitae), Labcorp
Classification: Uncertain significance for Transcobalamin II deficiency. Last evaluated: 2022-08-16. Review status: criteria provided, single submitter. Criteria: Invitae Variant Classification Sherloc (09022015). Collection method: clinical testing. Allele origin: germline.
Comment: This sequence change replaces proline, which is neutral and non-polar, with alanine, which is neutral and non-polar, at codon 150 of the TCN2 protein (p.Pro150Ala). This variant is present in population databases (rs776493564, gnomAD 0.06%). This variant has not been reported in the literature in individuals affected with TCN2-related conditions. ClinVar contains an entry for this variant (Variation ID: 1044456). Algorithms developed to predict the effect of missense changes on protein structure and function (SIFT, PolyPhen-2, Align-GVGD) all suggest that this variant is likely to be disruptive. In summary, the available evidence is currently insufficient to determine the role of this variant in disease. Therefore, it has been classified as a Variant of Uncertain Significance.

Literature cited by the submitters: PubMed 7849710 (cited by Centre for Medical Genetics,  Mumbai).

NM_000355.4(TCN2):c.448C>G (p.Pro150Ala)

Gene: TCN2 (transcobalamin 2; plus strand). Cytogenetic location: 22q12.2.
Variant type: single nucleotide variant.
Coding change: c.448C>G on transcript NM_000355.4 (MANE Select); coding-DNA position 448, C replaced by G.
Protein change: p.Pro150Ala; replaces proline 150 with alanine.
Molecular consequence: missense variant.
Genome position (GRCh38, 1-based): chr22:30,614,369, C>G. VCF-style: chr22-30614369-C-G. GRCh37 (hg19) VCF-style: chr22-31010356-C-G.
Other names: c.367C>G, p.Pro123Ala (NM_001184726.2); short protein forms P150A, P123A.
Identifiers: ClinVar variation 1044456 (VCV001044456.7), dbSNP rs776493564, ClinGen allele CA10184669.